The following is an entry in ClinVar:

ClinVar aggregate classification (germline): Uncertain significance (1 of 4 stars; one submission).

Conditions:
Malignant hyperthermia, susceptibility to, 5 (MHS5). Also called: CACNA1S-Related Malignant Hyperthermia Susceptibility. Identifiers: Orphanet 423, MedGen C1866077, MONDO:0011163, OMIM 601887.

Submission:

All of Us Research Program, National Institutes of Health
Classification: Uncertain significance for Malignant hyperthermia, susceptibility to, 5. Last evaluated: 2024-03-24. Review status: criteria provided, single submitter. Criteria: ACMG Guidelines, 2015. Collection method: clinical testing. Allele origin: germline. Inheritance: Autosomal dominant inheritance. Observed: 1 variant allele, 1 heterozygote.
Comment: This variant causes an in-frame deletion of one amino acid at codon 1305 in the CACNA1S protein. To our knowledge, functional studies have not been reported for this variant. This variant has not been reported in individuals affected with CACNA1S-related disorders in the literature. This variant has not been identified in the general population by the Genome Aggregation Database (gnomAD). The available evidence is insufficient to determine the role of this variant in disease conclusively. Therefore, this variant is classified as a Variant of Uncertain Significance.

This study involves interpretation of variants in research participants for the purpose of population health screening. Participant phenotype was not available at the time of variant classification. Additional details can be found in publication PMID: 35346344, PMCID: PMC8962531

NM_000069.3(CACNA1S):c.3907AAC[2] (p.Asn1305del)

Gene: CACNA1S (calcium voltage-gated channel subunit alpha1 S; minus strand). Cytogenetic location: 1q32.1.
Variant type: Microsatellite.
Coding change: c.3907AAC[2] on transcript NM_000069.3 (MANE Select); two copies in a row of the 3-base unit AAC starting at c.3907; the reference has three copies in a row; one copy, 3 bases deleted.
Protein change: p.Asn1305del; deletes asparagine 1305.
Genome position (GRCh38, 1-based): chr1:201,052,595-201,052,597, GTT deleted on the plus strand (AAC on the coding strand, the reverse complement: CACNA1S is on the minus strand); deleting any 3 consecutive bases within chr1:201,052,595-201,052,603 gives the same sequence; the position shown is the placement nearest the transcript's 3' end. VCF-style (leftmost placement, unchanged base first): chr1-201052594-AGTT-A. GRCh37 (hg19) VCF-style: chr1-201021722-AGTT-A.
Other names: short protein forms N1305del.
Identifiers: ClinVar variation 3386318 (VCV003386318.1).